The following is an entry in ClinVar:

NM_020937.4(FANCM):c.5748G>C (p.Lys1916Asn)

Gene: FANCM (FA complementation group M; plus strand). Cytogenetic location: 14q21.2.
Variant type: single nucleotide variant.
Coding change: c.5748G>C on transcript NM_020937.4 (MANE Select); coding-DNA position 5748, G replaced by C.
Protein change: p.Lys1916Asn; replaces lysine 1916 with asparagine.
Molecular consequence: missense variant.
Genome position (GRCh38, 1-based): chr14:45,198,675, G>C. VCF-style: chr14-45198675-G-C. GRCh37 (hg19) VCF-style: chr14-45667878-G-C.
Other names: c.5670G>C, p.Lys1890Asn (NM_001308133.2); short protein forms K1916N, K1890N.
Identifiers: ClinVar variation 3848708 (VCV003848708.1).

ClinVar aggregate classification (germline): Uncertain significance (1 of 4 stars; one submission).

Conditions:
Inborn genetic diseases. Identifiers: MedGen C0950123, MeSH D030342.

gnomAD v4.1: 1 of 1,613,046 alleles (0.000062%); highest among the groups gnomAD compares: African/African-American, 0.0013%; no homozygotes.

Submission:

Ambry Genetics
Classification: Uncertain significance for Inborn genetic diseases. Last evaluated: 2025-02-08. Review status: criteria provided, single submitter. Criteria: Ambry Variant Classification Scheme 2023. Collection method: clinical testing. Allele origin: germline.
Comment: The p.K1916N variant (also known as c.5748G>C), located in coding exon 22 of the FANCM gene, results from a G to C substitution at nucleotide position 5748. The lysine at codon 1916 is replaced by asparagine, an amino acid with similar properties. This amino acid position is conserved. In addition, this alteration is predicted to be tolerated by in silico analysis. Based on the available evidence, the clinical significance of this variant remains unclear.